The following is an entry in ClinVar:

NM_006005.3(WFS1):c.2369C>G (p.Ser790Trp)

Gene: WFS1 (wolframin ER transmembrane glycoprotein; plus strand). Cytogenetic location: 4p16.1.
Variant type: single nucleotide variant.
Coding change: c.2369C>G on transcript NM_006005.3 (MANE Select); coding-DNA position 2369, C replaced by G.
Protein change: p.Ser790Trp; replaces serine 790 with tryptophan.
Molecular consequence: missense variant.
Genome position (GRCh38, 1-based): chr4:6,302,164, C>G. VCF-style: chr4-6302164-C-G. GRCh37 (hg19) VCF-style: chr4-6303891-C-G.
Other names: c.2369C>G, p.Ser790Trp (NM_001145853.1); short protein forms S790W.
Identifiers: ClinVar variation 166608 (VCV000166608.13), dbSNP rs369107336, ClinGen allele CA295582.

ClinVar aggregate classification (germline): Conflicting classifications of pathogenicity. Review status: criteria provided, conflicting classifications (1 of 4 stars). 3 submissions from 3 submitters: Likely risk allele (1); Likely benign (2). Last evaluated 2025-10-01.

Conditions:
Wolfram syndrome 1 (WFS1). Identifiers: Orphanet 3463, MedGen C4551693, MONDO:0009101, OMIM 222300.

Allele frequency attached by ClinVar (database versions not stated): TOPMed 0.00025; ESP Exome Variant Server 0.00031.

Submissions (3):

Labcorp Genetics (formerly Invitae), Labcorp
Classification: Likely benign. Last evaluated: 2025-10-01. Review status: criteria provided, single submitter. Criteria: Invitae Variant Classification Sherloc (09022015). Collection method: clinical testing. Allele origin: germline.

Laboratory for Molecular Medicine, Mass General Brigham Personalized Medicine
Classification: Likely benign. Last evaluated: 2013-07-26. Review status: criteria provided, single submitter. Criteria: LMM Criteria. Collection method: clinical testing. Allele origin: germline. Observed: 1 variant allele.
Comment: Ser790Trp in exon 8 of WFS1: This variant has not been identified in individuals with hearing loss, but has been identified in 0.09% (4/4296) of African America n chromosomes from a broad population by the NHLBI Exome Sequencing Project. Although this variant has been seen in the gener al population, its frequency is not high enough to rule out a pathogenic role. H owever, the Ser790 residue is poorly conserved in mammals as well as found as a Trp residue in several fish species. As such, this variant is not likely to have clinical significance.

Clinical Genomics, Uppaluri K&H Personalized Medicine Clinic
Classification: Likely risk allele for Wolfram syndrome 1. Review status: criteria provided, single submitter. Criteria: K & H Uppaluri Personalized Medicine Clinic Variant Classification & Assertion Criteria_Updated V.1. Collection method: research. Allele origin: unknown. Inheritance: Autosomal recessive inheritance.
Comment: Potent mutations in WFS1 gene are associated with Wolfram's syndrome, an autosomal recessive condition, which cause diabetes mellitus, diabetes insipidus, deafness and optic atrophy. However no sufficient evidence is found to ascertain the role of this particular variant rs369107336 in Wolfram's syndrome yet.

Literature cited by the submitters: PubMed 20738327 (cited by Clinical Genomics, Uppaluri K&H Personalized Medicine Clinic); PubMed 33879153 (cited by Clinical Genomics, Uppaluri K&H Personalized Medicine Clinic); PubMed 12955714 (cited by Clinical Genomics, Uppaluri K&H Personalized Medicine Clinic); PubMed 18060660 (cited by Clinical Genomics, Uppaluri K&H Personalized Medicine Clinic); PubMed 20301750 (cited by Clinical Genomics, Uppaluri K&H Personalized Medicine Clinic); PubMed 17603484 (cited by Clinical Genomics, Uppaluri K&H Personalized Medicine Clinic).